The following is an entry in ClinVar:

NM_199420.4(POLQ):c.346C>A (p.Pro116Thr)

Gene: POLQ (DNA polymerase theta; minus strand). Cytogenetic location: 3q13.33.
Variant type: single nucleotide variant.
Coding change: c.346C>A on transcript NM_199420.4 (MANE Select); coding-DNA position 346, C replaced by A.
Protein change: p.Pro116Thr; replaces proline 116 with threonine.
Molecular consequence: missense variant.
Genome position (GRCh38, 1-based): chr3:121,541,477, G>T on the plus strand (C>A on the coding strand, the complement: POLQ is on the minus strand). VCF-style: chr3-121541477-G-T. GRCh37 (hg19) VCF-style: chr3-121260324-G-T.
Other names: short protein forms P116T.
Identifiers: ClinVar variation 1731715 (VCV001731715.2), dbSNP rs1560110594, ClinGen allele CA354093570.
Genomic context (GRCh38, chr3:121,541,477, plus strand): 5'-TTTCCAAAACCCGCTTCAAAATAAGTAATTCTGCCACAAGAGTCTTCCCAGCACTTGTAG[G>T]AGCTAAAACATGATTATTCCACAAGATTATAAGAAAAAAGTAATATTCGGTACAATTCAT-3'
Protein context (NP_955452.3, residues 106-126): LEGKNLVYSA[Pro116Thr]TSAGKTLVAE

ClinVar aggregate classification (germline): Uncertain significance (1 of 4 stars; one submission).

Submission:

Ambry Genetics
Classification: Uncertain significance. Last evaluated: 2022-09-25. Review status: criteria provided, single submitter. Criteria: Ambry Variant Classification Scheme 2023. Collection method: clinical testing. Allele origin: germline.
Comment: The p.P116T variant (also known as c.346C>A), located in coding exon 3 of the POLQ gene, results from a C to A substitution at nucleotide position 346. The proline at codon 116 is replaced by threonine, an amino acid with highly similar properties. This amino acid position is conserved. In addition, this alteration is predicted to be deleterious by in silico analysis. Since supporting evidence is limited at this time, the clinical significance of this alteration remains unclear.